The following is an entry in ClinVar:

ClinVar aggregate classification (germline): Uncertain significance. Review status: criteria provided, multiple submitters, no conflicts (2 of 4 stars). 3 submissions from 3 submitters: Uncertain significance (3). Last evaluated 2023-08-20.

Conditions:
Inborn genetic diseases. Identifiers: MedGen C0950123, MeSH D030342.

Allele frequency attached by ClinVar (database versions not stated): gnomAD exomes below 0.00001; ExAC 0.00001.
gnomAD v4.1: 6 of 1,614,072 alleles (0.00037%); highest among the groups gnomAD compares: Non-Finnish European, 0.00042%; no homozygotes.

Submissions (3):

Ambry Genetics
Classification: Uncertain significance for Inborn genetic diseases. Last evaluated: 2023-08-20. Review status: criteria provided, single submitter. Criteria: Ambry Variant Classification Scheme 2023. Collection method: clinical testing. Allele origin: germline.

Blueprint Genetics
Classification: Uncertain significance. Last evaluated: 2023-05-12. Review status: criteria provided, single submitter. Criteria: ACMG Guidelines, 2015. Collection method: clinical testing. Allele origin: germline.

Labcorp Genetics (formerly Invitae), Labcorp
Classification: Uncertain significance. Last evaluated: 2022-05-18. Review status: criteria provided, single submitter. Criteria: Invitae Variant Classification Sherloc (09022015). Collection method: clinical testing. Allele origin: germline.
Comment: This variant is not present in population databases (gnomAD no frequency). In summary, the available evidence is currently insufficient to determine the role of this variant in disease. Therefore, it has been classified as a Variant of Uncertain Significance. Algorithms developed to predict the effect of missense changes on protein structure and function (SIFT, PolyPhen-2, Align-GVGD) all suggest that this variant is likely to be tolerated. This variant has not been reported in the literature in individuals affected with VCAN-related conditions. This sequence change replaces glycine, which is neutral and non-polar, with glutamic acid, which is acidic and polar, at codon 565 of the VCAN protein (p.Gly565Glu).

NM_004385.5(VCAN):c.1694G>A (p.Gly565Glu)

Gene: VCAN (versican; plus strand). Cytogenetic location: 5q14.3.
Variant type: single nucleotide variant.
Coding change: c.1694G>A on transcript NM_004385.5 (MANE Select); coding-DNA position 1694, G replaced by A.
Protein change: p.Gly565Glu; replaces glycine 565 with glutamic acid.
Molecular consequence: missense variant. On other transcripts: intron variant (2).
Genome position (GRCh38, 1-based): chr5:83,520,000, G>A. VCF-style: chr5-83520000-G-A. GRCh37 (hg19) VCF-style: chr5-82815819-G-A.
Other names: c.1694G>A, p.Gly565Glu (NM_001164098.2); c.1042+7604G>A (NM_001164097.2, NM_001126336.3); c.1694G>A (NM_004385.4); short protein forms G565E.
Identifiers: ClinVar variation 1949617 (VCV001949617.8), dbSNP rs751263081, ClinGen allele CA3332716.